The following is an entry in ClinVar:

NM_138694.4(PKHD1):c.10275G>A (p.Gln3425=)

Gene: PKHD1 (PKHD1 ciliary IPT domain containing fibrocystin/polyductin; minus strand). Cytogenetic location: 6p12.3.
Variant type: single nucleotide variant.
Coding change: c.10275G>A on transcript NM_138694.4 (MANE Select); coding-DNA position 10275, G replaced by A.
Protein change: p.Gln3425=; no amino-acid change (glutamine 3425 retained).
Molecular consequence: synonymous variant.
Genome position (GRCh38, 1-based): chr6:51,659,851, C>T on the plus strand (G>A on the coding strand, the complement: PKHD1 is on the minus strand). VCF-style: chr6-51659851-C-T. GRCh37 (hg19) VCF-style: chr6-51524649-C-T.
Other names: p.Gln3425=.
Identifiers: ClinVar variation 1135361 (VCV001135361.10), dbSNP rs1207558563, ClinGen allele CA450613313.

ClinVar aggregate classification (germline): Likely benign. Review status: criteria provided, multiple submitters, no conflicts (2 of 4 stars). 2 submissions from 2 submitters: Likely benign (2). Last evaluated 2026-01-25.

Conditions:
Autosomal recessive polycystic kidney disease (ARPKD). Also called: AR polycystic kidney disease. Identifiers: Orphanet 731, Orphanet 8378, MedGen C0085548, MeSH D017044, MONDO:0009889.

Allele frequency attached by ClinVar (database versions not stated): gnomAD 0.00001.
gnomAD v4.1: 2 of 1,613,696 alleles (0.00012%); highest among the groups gnomAD compares: African/African-American, 0.0027%; no homozygotes.

Submissions (2):

Labcorp Genetics (formerly Invitae), Labcorp
Classification: Likely benign for Autosomal recessive polycystic kidney disease. Last evaluated: 2026-01-25. Review status: criteria provided, single submitter. Criteria: Invitae Variant Classification Sherloc (09022015). Collection method: clinical testing. Allele origin: germline.

Mayo Clinic Laboratories, Mayo Clinic
Classification: Likely benign. Last evaluated: 2025-09-09. Review status: criteria provided, single submitter. Criteria: ACMG Guidelines, 2015. Collection method: clinical testing. Allele origin: germline. Observed: 1 variant allele.
Comment: BP4, BP7, PM2_supporting